The following is an entry in ClinVar:

ClinVar aggregate classification (germline): Conflicting classifications of pathogenicity. Review status: criteria provided, conflicting classifications (1 of 4 stars). 6 submissions from 6 submitters: Uncertain significance (2); Likely benign (3). 1 of the submissions does not count toward it. Last evaluated 2025-03-30.

Conditions:
Inborn genetic diseases. Identifiers: MedGen C0950123, MeSH D030342.
Leber congenital amaurosis 9 (LCA9). Also called: LCA9 Leber Congenital Amaurosis; LCA 9; Amaurosis congenita of Leber, type 9. Identifiers: Orphanet 65, MedGen C1837873, MONDO:0012056, OMIM 608553.
Spondyloepiphyseal dysplasia, sensorineural hearing loss, impaired intellectual development, and leber congenital amaurosis. Also called: SHILCA SYNDROME. Identifiers: Orphanet 611207, MedGen C5543257, MONDO:0031007, OMIM 619260.
NMNAT1-related disorder. Also called: NMNAT1-related condition.

Allele frequency attached by ClinVar (database versions not stated): TOPMed 0.00003; ESP Exome Variant Server 0.00008; gnomAD 0.00013 and 0.00015; 1000 Genomes Project 30x 0.00016; 1000 Genomes Project 0.00020; gnomAD exomes 0.00025 and 0.00046; ExAC 0.00040.
gnomAD v4.1: 392 of 1,614,154 alleles (0.024%); highest among the groups gnomAD compares: South Asian, 0.18%; 1 homozygote.

Submissions (6):

Labcorp Genetics (formerly Invitae), Labcorp
Classification: Likely benign for Leber congenital amaurosis 9. Last evaluated: 2025-03-30. Review status: criteria provided, single submitter. Criteria: Invitae Variant Classification Sherloc (09022015). Collection method: clinical testing. Allele origin: germline.

Blueprint Genetics
Classification: Likely benign. Last evaluated: 2024-11-21. Review status: criteria provided, single submitter. Criteria: ACMG Guidelines, 2015. Collection method: clinical testing. Allele origin: germline.

Ambry Genetics
Classification: Uncertain significance for Inborn genetic diseases. Last evaluated: 2022-12-28. Review status: criteria provided, single submitter. Criteria: Ambry Variant Classification Scheme 2023. Collection method: clinical testing. Allele origin: germline.

Department of Pathology and Laboratory Medicine, Sinai Health System
Classification: Uncertain significance for Leber congenital amaurosis 9; Spondyloepiphyseal dysplasia, sensorineural hearing loss, impaired intellectual development, and leber congenital amaurosis. Last evaluated: 2022-07-25. Review status: criteria provided, single submitter. Criteria: ACMG Guidelines, 2015. Collection method: research. Allele origin: germline.

Breakthrough Genomics
Classification: Likely benign. Review status: criteria provided, single submitter. Criteria: ACMG Guidelines, 2015. Collection method: not provided. Allele origin: germline. Inheritance: Autosomal recessive inheritance. Affected: yes.

PreventionGenetics, part of Exact Sciences
Classification: Likely benign for NMNAT1-related condition. Last evaluated: 2022-12-19. Review status: no assertion criteria provided. Collection method: clinical testing. Allele origin: germline. Not counted in ClinVar's aggregate classification.
Comment: This variant is classified as likely benign based on ACMG/AMP sequence variant interpretation guidelines (Richards et al. 2015 PMID: 25741868, with internal and published modifications).

NM_022787.4(NMNAT1):c.493G>A (p.Val165Ile)

Gene: NMNAT1 (nicotinamide nucleotide adenylyltransferase 1; plus strand). Cytogenetic location: 1p36.22.
Variant type: single nucleotide variant.
Coding change: c.493G>A on transcript NM_022787.4 (MANE Select); coding-DNA position 493, G replaced by A.
Protein change: p.Val165Ile; replaces valine 165 with isoleucine.
Molecular consequence: missense variant.
Genome position (GRCh38, 1-based): chr1:9,982,354, G>A. VCF-style: chr1-9982354-G-A. GRCh37 (hg19) VCF-style: chr1-10042412-G-A.
Other names: c.493G>A, p.Val165Ile (NM_001297778.1); short protein forms V165I.
Identifiers: ClinVar variation 798191 (VCV000798191.15), dbSNP rs202057799, ClinGen allele CA579269.